The following is an entry in ClinVar:

NM_198904.4(GABRG2):c.471del (p.Ala158fs)

Gene: GABRG2 (gamma-aminobutyric acid type A receptor subunit gamma2; plus strand). Cytogenetic location: 5q34.
Variant type: Deletion.
Coding change: c.471del on transcript NM_198904.4 (MANE Select); coding-DNA position 471, one base deleted (A; older notation c.471delA).
Protein change: p.Ala158fs; shifts the reading frame from alanine 158.
Molecular consequence: frameshift variant.
Genome position (GRCh38, 1-based): chr5:162,097,781, A deleted; the last of 6 consecutive A bases (chr5:162,097,776-162,097,781); deleting any one gives the same sequence. VCF-style (leftmost placement, unchanged base first): chr5-162097775-CA-C. GRCh37 (hg19) VCF-style: chr5-161524781-CA-C.
Other names: c.471del, p.Ala158fs (NM_000816.3, NM_001375340.1, NM_001375341.1 and 4 more transcripts); c.462del, p.Ala155fs (NM_001375339.1); c.405del, p.Ala136fs (NM_001375345.1, NM_001375346.1); c.384del, p.Ala129fs (NM_001375347.1); c.51del, p.Ala18fs (NM_001375348.1, NM_001375350.1); c.186del, p.Ala63fs (NM_001375349.1); c.471delA (NM_000816.3); short protein forms A158fs, A129fs, A136fs, A155fs, A18fs, A63fs.
Identifiers: ClinVar variation 450747 (VCV000450747.7), dbSNP rs1554097890, ClinGen allele CA658657568.
Genomic context (GRCh38, chr5:162,097,775, plus strand): 5'-CCGATTGAACAGCAACATGGTGGGGAAAATCTGGATTCCAGACACTTTCTTCAGAAATTC[CA>C]AAAAAGCTGATGCACACTGGATCACCACCCCCAACAGGATGCTGAGAATTTGGAATGATG-3'

ClinVar aggregate classification (germline): Pathogenic/Likely pathogenic. Review status: criteria provided, multiple submitters, no conflicts (2 of 4 stars). 3 submissions from 3 submitters: Pathogenic (2); Likely pathogenic (1). Last evaluated 2023-03-13.

Conditions:
EPILEPSY, CHILDHOOD ABSENCE, SUSCEPTIBILITY TO, 2 (ECA2). Identifiers: Orphanet 64280, MedGen C1843244, OMIM 607681.
Febrile seizures, familial, 8 (FEB8). Also called: CONVULSIONS, FAMILIAL FEBRILE, 8. Identifiers: Orphanet 36387, MedGen C1969810, MONDO:0011891, OMIM 607681.

Submissions (3):

Institute of Human Genetics, University of Leipzig Medical Center
Classification: Pathogenic for Febrile seizures, familial, 8. Last evaluated: 2023-03-13. Review status: criteria provided, single submitter. Criteria: ACMG Guidelines, 2015. Collection method: clinical testing. Allele origin: maternal. Affected: yes.
Comment: _x000D_ Criteria applied: PVS1, PS4_MOD, PM2_SUP

Labcorp Genetics (formerly Invitae), Labcorp
Classification: Pathogenic for Febrile seizures, familial, 8; EPILEPSY, CHILDHOOD ABSENCE, SUSCEPTIBILITY TO, 2. Last evaluated: 2022-02-03. Review status: criteria provided, single submitter. Criteria: Invitae Variant Classification Sherloc (09022015). Collection method: clinical testing. Allele origin: germline.
Comment: For these reasons, this variant has been classified as Pathogenic. ClinVar contains an entry for this variant (Variation ID: 450747). This variant has not been reported in the literature in individuals affected with GABRG2-related conditions. This variant is not present in population databases (gnomAD no frequency). This sequence change creates a premature translational stop signal (p.Ala158Leufs*13) in the GABRG2 gene. It is expected to result in an absent or disrupted protein product. Loss-of-function variants in GABRG2 are known to be pathogenic (PMID: 22539854, 22750526, 24407264).

GeneDx
Classification: Likely pathogenic. Last evaluated: 2017-07-26. Review status: criteria provided, single submitter. Criteria: GeneDx Variant Classification (06012015). Collection method: clinical testing. Allele origin: germline. Affected: yes.
Comment: The c.471delA variant in the GABRG2 gene has not been reported previously as a pathogenic variant, nor as a benign variant, to our knowledge. The c.471delA variant causes a frameshift starting with codon Alanine 158, changes this amino acid to a Leucine residue, and creates a premature Stop codon at position 13 of the new reading frame, denoted p.Ala158LeufsX13. This variant is predicted to cause loss of normal protein function either through protein truncation or nonsense-mediated mRNA decay. The c.471delA variant is not observed in large population cohorts (Lek et al., 2016; 1000 Genomes Consortium et al., 2015; Exome Variant Server). We interpret c.471delA as a likely pathogenic variant.

Literature cited by the submitters: PubMed 22539854 (cited by Labcorp Genetics (formerly Invitae), Labcorp); PubMed 22750526 (cited by Labcorp Genetics (formerly Invitae), Labcorp); PubMed 24407264 (cited by Labcorp Genetics (formerly Invitae), Labcorp).